The following is an entry in ClinVar:

NM_020297.4(ABCC9):c.2693A>C (p.Asp898Ala)

Gene: ABCC9 (ATP binding cassette subfamily C member 9; minus strand). Cytogenetic location: 12p12.1.
Variant type: single nucleotide variant.
Coding change: c.2693A>C on transcript NM_020297.4 (MANE Select); coding-DNA position 2693, A replaced by C.
Protein change: p.Asp898Ala; replaces aspartic acid 898 with alanine.
Molecular consequence: missense variant.
Genome position (GRCh38, 1-based): chr12:21,852,173, T>G on the plus strand (A>C on the coding strand, the complement: ABCC9 is on the minus strand). VCF-style: chr12-21852173-T-G. GRCh37 (hg19) VCF-style: chr12-22005107-T-G.
Other names: c.2693A>C, p.Asp898Ala (NM_001377273.1, NM_005691.4); c.1826A>C, p.Asp609Ala (NM_001377274.1); short protein forms D609A, D898A.
Identifiers: ClinVar variation 3654580 (VCV003654580.2).

ClinVar aggregate classification (germline): Uncertain significance (1 of 4 stars; one submission).

Conditions:
Dilated cardiomyopathy 1O (CMD1O). Also called: CARDIOMYOPATHY, DILATED, WITH VENTRICULAR TACHYCARDIA. Identifiers: Orphanet 154, MedGen C1837839, MONDO:0012062, OMIM 608569.

Submission:

Labcorp Genetics (formerly Invitae), Labcorp
Classification: Uncertain significance for Dilated cardiomyopathy 1O. Last evaluated: 2025-02-21. Review status: criteria provided, single submitter. Criteria: Invitae Variant Classification Sherloc (09022015). Collection method: clinical testing. Allele origin: germline.
Comment: This sequence change replaces aspartic acid, which is acidic and polar, with alanine, which is neutral and non-polar, at codon 898 of the ABCC9 protein (p.Asp898Ala). This variant is not present in population databases (gnomAD no frequency). This variant has not been reported in the literature in individuals affected with ABCC9-related conditions. Invitae Evidence Modeling of protein sequence and biophysical properties (such as structural, functional, and spatial information, amino acid conservation, physicochemical variation, residue mobility, and thermodynamic stability) indicates that this missense variant is expected to disrupt ABCC9 protein function with a positive predictive value of 80%. In summary, the available evidence is currently insufficient to determine the role of this variant in disease. Therefore, it has been classified as a Variant of Uncertain Significance.